The following is an entry in ClinVar:

ClinVar aggregate classification (germline): Uncertain significance (1 of 4 stars; one submission).

Submission:

Labcorp Genetics (formerly Invitae), Labcorp
Classification: Uncertain significance. Last evaluated: 2023-07-19. Review status: criteria provided, single submitter. Criteria: Invitae Variant Classification Sherloc (09022015). Collection method: clinical testing. Allele origin: germline.
Comment: Advanced modeling of protein sequence and biophysical properties (such as structural, functional, and spatial information, amino acid conservation, physicochemical variation, residue mobility, and thermodynamic stability) performed at Invitae indicates that this missense variant is expected to disrupt CTNNB1 protein function. In summary, the available evidence is currently insufficient to determine the role of this variant in disease. Therefore, it has been classified as a Variant of Uncertain Significance. This variant has not been reported in the literature in individuals affected with CTNNB1-related conditions. This variant is not present in population databases (gnomAD no frequency). This sequence change replaces glutamine, which is neutral and polar, with arginine, which is basic and polar, at codon 379 of the CTNNB1 protein (p.Gln379Arg).

NM_001904.4(CTNNB1):c.1136A>G (p.Gln379Arg)

Gene: CTNNB1 (catenin beta 1; plus strand). Cytogenetic location: 3p22.1.
Variant type: single nucleotide variant.
Coding change: c.1136A>G on transcript NM_001904.4 (MANE Select); coding-DNA position 1136, A replaced by G.
Protein change: p.Gln379Arg; replaces glutamine 379 with arginine.
Molecular consequence: missense variant.
Genome position (GRCh38, 1-based): chr3:41,233,395, A>G. VCF-style: chr3-41233395-A-G. GRCh37 (hg19) VCF-style: chr3-41274886-A-G.
Other names: c.1136A>G, p.Gln379Arg (NM_001098209.2, NM_001098210.2); c.1115A>G, p.Gln372Arg (NM_001330729.2); short protein forms Q372R, Q379R.
Identifiers: ClinVar variation 2744893 (VCV002744893.3), dbSNP rs2125637793, ClinGen allele CA352232141.